The following is an entry in ClinVar:

NM_001018113.3(FANCB):c.2150T>G (p.Leu717Ter)

Gene: FANCB (FA complementation group B; minus strand). Cytogenetic location: Xp22.2.
Variant type: single nucleotide variant.
Coding change: c.2150T>G on transcript NM_001018113.3 (MANE Select); coding-DNA position 2150, T replaced by G.
Protein change: p.Leu717Ter; replaces leucine 717 with a stop codon.
Molecular consequence: nonsense.
Genome position (GRCh38, 1-based): chrX:14,844,518, A>C on the plus strand (T>G on the coding strand, the complement: FANCB is on the minus strand). VCF-style: chrX-14844518-A-C. GRCh37 (hg19) VCF-style: chrX-14862640-A-C.
Other names: c.2150T>G, p.Leu717Ter (NM_001324162.2, NM_152633.4); short protein forms L717*.
Identifiers: ClinVar variation 37043 (VCV000037043.4), dbSNP rs1569083185, ClinGen allele CA412438096.

ClinVar aggregate classification (germline): Pathogenic. Review status: no assertion criteria provided (0 of 4 stars). 2 submissions from 2 submitters: Pathogenic (2). Last evaluated 2020-02-28.

Conditions:
Fanconi anemia complementation group B (FANCB). Also called: FANCONI PANCYTOPENIA, TYPE 2; FANCB-Related Fanconi Anemia. Identifiers: Orphanet 84, MedGen C1845292, MONDO:0010351, OMIM 300514.

Submissions (2):

Leiden Open Variation Database
Classification: Pathogenic for Fanconi anemia complementation group B. Last evaluated: 2020-02-28. Review status: no assertion criteria provided. Collection method: curation. Allele origin: germline. Affected: yes.
Comment: Curator: Arleen D. Auerbach. Submitter to LOVD: Arleen D. Auerbach.

OMIM
Classification: Pathogenic for FANCONI ANEMIA, COMPLEMENTATION GROUP B. Last evaluated: 2011-10-01. Review status: no assertion criteria provided. Collection method: literature only. Allele origin: germline.

Literature cited by the submitters: PubMed 21910217 (cited by Leiden Open Variation Database and OMIM); Hunter, A. G. W., MacMurray, B. Malformations of the VATER association plus hydrocephalus in a male infant and his maternal uncle. Proc. Greenwood Genet. Center 6: 146-147, 1987. (cited by OMIM); PubMed 8368240 (cited by OMIM).